The following is an entry in ClinVar:

ClinVar aggregate classification (germline): Uncertain significance (1 of 4 stars; one submission).

Submission:

Labcorp Genetics (formerly Invitae), Labcorp
Classification: Uncertain significance. Last evaluated: 2023-07-17. Review status: criteria provided, single submitter. Criteria: Invitae Variant Classification Sherloc (09022015). Collection method: clinical testing. Allele origin: germline.
Comment: An algorithm developed to predict the effect of missense changes on protein structure and function (PolyPhen-2) suggests that this variant is likely to be tolerated. This variant has not been reported in the literature in individuals affected with DMXL2-related conditions. In summary, the available evidence is currently insufficient to determine the role of this variant in disease. Therefore, it has been classified as a Variant of Uncertain Significance. This variant is not present in population databases (gnomAD no frequency). This sequence change replaces proline, which is neutral and non-polar, with alanine, which is neutral and non-polar, at codon 954 of the DMXL2 protein (p.Pro954Ala).

NM_001378457.1(DMXL2):c.2860C>G (p.Pro954Ala)

Gene: DMXL2 (Dmx like 2; minus strand). Cytogenetic location: 15q21.2.
Variant type: single nucleotide variant.
Coding change: c.2860C>G on transcript NM_001378457.1 (MANE Select); coding-DNA position 2860, C replaced by G.
Protein change: p.Pro954Ala; replaces proline 954 with alanine.
Molecular consequence: missense variant. On other transcripts: non-coding transcript variant (2), intron variant (2).
Genome position (GRCh38, 1-based): chr15:51,502,938, G>C on the plus strand (C>G on the coding strand, the complement: DMXL2 is on the minus strand). VCF-style: chr15-51502938-G-C. GRCh37 (hg19) VCF-style: chr15-51795135-G-C.
Other names: c.2860C>G, p.Pro954Ala (NM_001174116.3, NM_001378458.1, NM_001378459.1 and 4 more transcripts); c.2620C>G, p.Pro874Ala (NM_001378464.1); c.2764+4196C>G (NM_001378460.1, NM_001174117.3); short protein forms P874A, P954A.
Identifiers: ClinVar variation 2744536 (VCV002744536.3), dbSNP rs755528376, ClinGen allele CA392438512.